The following is an entry in ClinVar:

ClinVar aggregate classification (germline): Pathogenic (0 of 4 stars; one submission).

Conditions:
Generalized epilepsy with febrile seizures plus, type 9 (GEFSP9). Also called: GEFS+, TYPE 9. Identifiers: Orphanet 36387, MedGen C4015395, MONDO:0014517, OMIM 616172.

Submission:

OMIM
Classification: Pathogenic for GENERALIZED EPILEPSY WITH FEBRILE SEIZURES PLUS, TYPE 9. Last evaluated: 2014-12-01. Review status: no assertion criteria provided. Collection method: literature only. Allele origin: germline.

Literature cited by the submitters: PubMed 18479394; PubMed 25362483.

NM_052874.5(STX1B):c.[133_134insGGATGTGCATTG;135_136delinsGA]

Variant type: Haplotype.
Identifiers: ClinVar variation 162396 (VCV000162396.1).